The following is an entry in ClinVar:

ClinVar aggregate classification (germline): Conflicting classifications of pathogenicity. Review status: criteria provided, conflicting classifications (1 of 4 stars). 7 submissions from 7 submitters: Uncertain significance (3); Likely benign (4). Last evaluated 2026-01-19.

Conditions:
Autoinflammatory syndrome. Identifiers: Orphanet 93665, MedGen C3890737, MONDO:0019751.
Lysinuric protein intolerance (LPI). Identifiers: Orphanet 470, MedGen C0268647, MONDO:0009109, OMIM 222700.

Allele frequency attached by ClinVar (database versions not stated): gnomAD below 0.00001 and 0.00006; TOPMed 0.00003; gnomAD exomes 0.00015 and 0.00034; ExAC 0.00034; 1000 Genomes Project 0.00040; 1000 Genomes Project 30x 0.00047.
gnomAD v4.1: 231 of 1,614,050 alleles (0.014%); highest among the groups gnomAD compares: South Asian, 0.22%; 1 homozygote.

Submissions (8):

Labcorp Genetics (formerly Invitae), Labcorp
Classification: Likely benign for Lysinuric protein intolerance. Last evaluated: 2026-01-19. Review status: criteria provided, single submitter. Criteria: Invitae Variant Classification Sherloc (09022015). Collection method: clinical testing. Allele origin: germline.

Women's Health and Genetics/Laboratory Corporation of America, LabCorp
Classification: Uncertain significance. Last evaluated: 2025-02-19. Review status: criteria provided, single submitter. Criteria: LabCorp Variant Classification Summary - May 2015. Collection method: clinical testing. Allele origin: germline.
Comment: Variant summary: SLC7A7 c.931A>G (p.Ile311Val) results in a conservative amino acid change in the encoded protein sequence. Four of five in-silico tools predict a benign effect of the variant on protein function. The variant allele was found at a frequency of 0.00034 in 251428 control chromosomes. This frequency is not significantly higher than estimated for a pathogenic variant in SLC7A7 causing Lysinuric Protein Intolerance (0.00034 vs 0.0011), allowing no conclusion about variant significance. c.931A>G has been reported in the literature in at least one individual affected with atypical Lysinuric Protein Intolerance who carried second variant c.1095+6T>C, phase unknown (e.g. Lokuhewage_BMCP_2023). These report(s) do not provide unequivocal conclusions about association of the variant with Lysinuric Protein Intolerance. To our knowledge, no experimental evidence demonstrating an impact on protein function has been reported. The following publication has been ascertained in the context of this evaluation (PMID: 37528333). ClinVar contains an entry for this variant (Variation ID: 312820). Based on the evidence outlined above, the variant was classified as uncertain significance.

Blueprint Genetics
Classification: Likely benign. Last evaluated: 2024-11-08. Review status: criteria provided, single submitter. Criteria: ACMG Guidelines, 2015. Collection method: clinical testing. Allele origin: germline.

Fulgent Genetics
Classification: Likely benign for Lysinuric protein intolerance. Last evaluated: 2024-05-21. Review status: criteria provided, single submitter. Criteria: ACMG Guidelines, 2015. Collection method: clinical testing. Allele origin: germline.

Genome Diagnostics Laboratory, The Hospital for Sick Children
Classification: Uncertain significance for Autoinflammatory syndrome. Last evaluated: 2021-11-17. Review status: criteria provided, single submitter. Criteria: ACMG Guidelines, 2015. Collection method: clinical testing. Allele origin: germline. Affected: yes.

Genome-Nilou Lab
Classification: Likely benign for Lysinuric protein intolerance. Last evaluated: 2021-11-07. Review status: criteria provided, single submitter. Criteria: ACMG Guidelines, 2015. Collection method: clinical testing. Allele origin: germline. Affected: no.

Illumina Laboratory Services, Illumina
Classification: Uncertain significance for Lysinuric protein intolerance. Last evaluated: 2018-01-12. Review status: criteria provided, single submitter. Criteria: ICSL Variant Classification Criteria 13 December 2019. Collection method: clinical testing. Allele origin: germline.

Dr. Peter K. Rogan Lab, Western University
No classification provided (evidence only). Condition: Colon adenocarcinoma. Review status: no classification provided. Collection method: in vitro. Allele origin: not applicable. Functional consequence: skipped exon. Not counted in ClinVar's aggregate classification.

Literature cited by the submitters: PubMed 37528333 (cited by Women's Health and Genetics/Laboratory Corporation of America, LabCorp).

NM_003982.4(SLC7A7):c.931A>G (p.Ile311Val)

Gene: SLC7A7 (solute carrier family 7 member 7; minus strand). Cytogenetic location: 14q11.2.
Variant type: single nucleotide variant.
Coding change: c.931A>G on transcript NM_003982.4 (MANE Select); coding-DNA position 931, A replaced by G.
Protein change: p.Ile311Val; replaces isoleucine 311 with valine.
Molecular consequence: missense variant.
Genome position (GRCh38, 1-based): chr14:22,775,900, T>C on the plus strand (A>G on the coding strand, the complement: SLC7A7 is on the minus strand). VCF-style: chr14-22775900-T-C. GRCh37 (hg19) VCF-style: chr14-23245109-T-C.
Other names: c.931A>G, p.Ile311Val (NM_001126105.3, NM_001126106.4); short protein forms I311V.
Identifiers: ClinVar variation 312820 (VCV000312820.25), dbSNP rs539843065, ClinGen allele CA7104537.